The following is an entry in ClinVar:

NM_000383.4(AIRE):c.1401-11C>T

Gene: AIRE (autoimmune regulator; plus strand). Cytogenetic location: 21q22.3.
Variant type: single nucleotide variant.
Coding change: c.1401-11C>T on transcript NM_000383.4 (MANE Select); 11 bases into the intron before coding-DNA position 1401, C replaced by T.
Molecular consequence: intron variant.
Genome position (GRCh38, 1-based): chr21:44,294,390, C>T. VCF-style: chr21-44294390-C-T. GRCh37 (hg19) VCF-style: chr21-45714273-C-T.
Other names: c.1401-11C>T (LRG_18t1).
Identifiers: ClinVar variation 446816 (VCV000446816.12), dbSNP rs371136111, ClinGen allele CA10052119.

ClinVar aggregate classification (germline): Benign/Likely benign. Review status: criteria provided, multiple submitters, no conflicts (2 of 4 stars). 4 submissions from 4 submitters: Benign (3); Likely benign (1). Last evaluated 2026-02-02.

Conditions:
Polyglandular autoimmune syndrome, type 1 (APS1). Also called: AUTOIMMUNE POLYENDOCRINE SYNDROME, TYPE I, WITH OR WITHOUT REVERSIBLE METAPHYSEAL DYSPLASIA; APS I; Autoimmune polyendocrinopathy syndrome , type I, with or without reversible metaphyseal dysplasia; HYPOADRENOCORTICISM WITH HYPOPARATHYROIDISM AND SUPERFICIAL MONILIASIS; Autoimmune polyendocrine syndrome type 1; Autoimmune polyendocrinopathy syndrome, type I. Identifiers: Orphanet 3453, MedGen C0085859, MONDO:0009411, OMIM 240300.

Allele frequency attached by ClinVar (database versions not stated): 1000 Genomes Project 30x 0.00047; ESP Exome Variant Server 0.00060; TOPMed 0.00093; gnomAD exomes 0.00239; gnomAD 0.00423 and 0.00444; ExAC 0.00553.

Submissions (4):

Labcorp Genetics (formerly Invitae), Labcorp
Classification: Benign for Polyglandular autoimmune syndrome, type 1. Last evaluated: 2026-02-02. Review status: criteria provided, single submitter. Criteria: Invitae Variant Classification Sherloc (09022015). Collection method: clinical testing. Allele origin: germline.

Blueprint Genetics
Classification: Likely benign. Last evaluated: 2024-11-27. Review status: criteria provided, single submitter. Criteria: ACMG Guidelines, 2015. Collection method: clinical testing. Allele origin: germline.

Women's Health and Genetics/Laboratory Corporation of America, LabCorp
Classification: Benign. Last evaluated: 2020-04-03. Review status: criteria provided, single submitter. Criteria: LabCorp Variant Classification Summary - May 2015. Collection method: clinical testing. Allele origin: germline.
Comment: Variant summary: AIRE c.1401-11C>T alters a non-conserved nucleotide located close to a canonical splice site and therefore could affect mRNA splicing, leading to a significantly altered protein sequence. 4/4 computational tools predict no significant impact on normal splicing. However, these predictions have yet to be confirmed by functional studies. The variant allele was found at a frequency of 0.0032 in 197100 control chromosomes in the gnomAD database, including 6 homozygotes. The observed variant frequency is approximately equal to the estimated maximal expected allele frequency for a pathogenic variant in AIRE causing Autoimmune Polyglandular Syndrome Type 1 phenotype (0.0028), strongly suggesting that the variant is benign. To our knowledge, no occurrence of c.1401-11C>T in individuals affected with Autoimmune Polyglandular Syndrome Type 1 and no experimental evidence demonstrating its impact on protein function have been reported. A ClinVar submitter (evaluation after 2014) cites the variant as benign. Based on the evidence outlined above, the variant was classified as benign.

Athena Diagnostics
Classification: Benign. Last evaluated: 2017-05-10. Review status: criteria provided, single submitter. Criteria: Athena Diagnostics Criteria. Collection method: clinical testing. Allele origin: germline.